The following is an entry in ClinVar:

NM_032119.4(ADGRV1):c.6665T>C (p.Val2222Ala)

Gene: ADGRV1 (adhesion G protein-coupled receptor V1; plus strand). Cytogenetic location: 5q14.3.
Variant type: single nucleotide variant.
Coding change: c.6665T>C on transcript NM_032119.4 (MANE Select); coding-DNA position 6665, T replaced by C.
Protein change: p.Val2222Ala; replaces valine 2222 with alanine.
Molecular consequence: missense variant. On other transcripts: non-coding transcript variant (1).
Genome position (GRCh38, 1-based): chr5:90,690,035, T>C. VCF-style: chr5-90690035-T-C. GRCh37 (hg19) VCF-style: chr5-89985852-T-C.
Other names: short protein forms V2222A.
Identifiers: ClinVar variation 3500533 (VCV003500533.3).

ClinVar aggregate classification (germline): Uncertain significance. Review status: criteria provided, multiple submitters, no conflicts (2 of 4 stars). 2 submissions from 2 submitters: Uncertain significance (2). Last evaluated 2024-10-03.

Conditions:
Inborn genetic diseases. Identifiers: MedGen C0950123, MeSH D030342.

gnomAD v4.1: 1 of 1,590,260 alleles (0.000063%); no homozygotes.

Submissions (2):

Labcorp Genetics (formerly Invitae), Labcorp
Classification: Uncertain significance. Last evaluated: 2024-10-03. Review status: criteria provided, single submitter. Criteria: Invitae Variant Classification Sherloc (09022015). Collection method: clinical testing. Allele origin: germline.
Comment: This sequence change replaces valine, which is neutral and non-polar, with alanine, which is neutral and non-polar, at codon 2222 of the ADGRV1 protein (p.Val2222Ala). This variant is not present in population databases (gnomAD no frequency). This variant has not been reported in the literature in individuals affected with ADGRV1-related conditions. Invitae Evidence Modeling of protein sequence and biophysical properties (such as structural, functional, and spatial information, amino acid conservation, physicochemical variation, residue mobility, and thermodynamic stability) indicates that this missense variant is not expected to disrupt ADGRV1 protein function with a negative predictive value of 95%. In summary, the available evidence is currently insufficient to determine the role of this variant in disease. Therefore, it has been classified as a Variant of Uncertain Significance.

Ambry Genetics
Classification: Uncertain significance for Inborn genetic diseases. Last evaluated: 2024-08-12. Review status: criteria provided, single submitter. Criteria: Ambry Variant Classification Scheme 2023. Collection method: clinical testing. Allele origin: germline.